The following is an entry in ClinVar:

ClinVar aggregate classification (germline): Pathogenic. Review status: criteria provided, multiple submitters, no conflicts (2 of 4 stars). 4 submissions from 4 submitters: Pathogenic (4). Last evaluated 2025-10-19.

Conditions:
LZTR1-related schwannomatosis. Also called: Schwannomatosis 2; Schwannomatosis-2, susceptibility to. Identifiers: Orphanet 93921, MedGen C3810283, MONDO:0014299, OMIM 615670.
Cardiovascular phenotype. Identifiers: MedGen CN230736.
Hereditary cancer-predisposing syndrome. Also called: Neoplastic Syndromes, Hereditary; Hereditary neoplastic syndrome; Tumor predisposition; Hereditary Cancer Syndrome. Identifiers: Orphanet 140162, MedGen C0027672, MeSH D009386, MONDO:0015356.
Noonan syndrome 2 (NS2). Identifiers: Orphanet 648, MedGen C1854469, MONDO:0011531, OMIM 605275.

Allele frequency attached by ClinVar (database versions not stated): gnomAD exomes below 0.00001.
gnomAD v4.1: 2 of 1,613,544 alleles (0.00012%); highest among the groups gnomAD compares: Non-Finnish European, 0.00017%; no homozygotes.

Submissions (4):

Labcorp Genetics (formerly Invitae), Labcorp
Classification: Pathogenic. Last evaluated: 2025-10-19. Review status: criteria provided, single submitter. Criteria: Invitae Variant Classification Sherloc (09022015). Collection method: clinical testing. Allele origin: germline.
Comment: This sequence change creates a premature translational stop signal (p.Gln441*) in the LZTR1 gene. It is expected to result in an absent or disrupted protein product. Loss-of-function variants in LZTR1 are known to be pathogenic (PMID: 24362817, 25335493, 25480913, 25795793, 29469822, 30368668, 30442762, 30442766, 30481304, 30859559). This variant is not present in population databases (gnomAD no frequency). This variant has not been reported in the literature in individuals affected with LZTR1-related conditions. ClinVar contains an entry for this variant (Variation ID: 2899790). For these reasons, this variant has been classified as Pathogenic.

Genomic Medicine Center of Excellence, King Faisal Specialist Hospital and Research Centre
Classification: Pathogenic for LZTR1-related schwannomatosis. Last evaluated: 2025-09-10. Review status: criteria provided, single submitter. Criteria: ACMG Guidelines, 2015. Collection method: clinical testing. Allele origin: germline.

Ambry Genetics
Classification: Pathogenic for Cardiovascular phenotype; Hereditary cancer-predisposing syndrome. Last evaluated: 2024-11-08. Review status: criteria provided, single submitter. Criteria: Ambry Variant Classification Scheme 2023. Collection method: clinical testing. Allele origin: germline.
Comment: The p.Q441* pathogenic mutation (also known as c.1321C>T), located in coding exon 12 of the LZTR1 gene, results from a C to T substitution at nucleotide position 1321. This changes the amino acid from a glutamine to a stop codon within coding exon 12. This variant has been observed in at least one individual with a personal and/or family history that is consistent with LZTR1-related schwannomatosis (Ambry internal data). This variant is considered to be rare based on population cohorts in the Genome Aggregation Database (gnomAD).This alteration is expected to result in loss of function by premature protein truncation or nonsense-mediated mRNA decay. Loss-of-function variants in LZTR1 are related to an increased risk for schwannomas and autosomal recessive Noonan syndrome; however, such associations with autosomal dominant Noonan syndrome have not been observed (Piotrowski A et al. Nat Genet. 2014 Feb;46:182-7; Yamamoto GL et al. J Med Genet. 2015 Jun;52:413-21; Johnston JJ et al. Genet Med. 2018 10;20:1175-1185). Based on the supporting evidence, this variant is pathogenic for an increased risk of LZTR1-related schwannomatosis (SWN) and would be expected to cause autosomal recessive Noonan syndrome when present along with a second pathogenic or likely pathogenic variant on the other allele; however, the association of this alteration with autosomal dominant Noonan syndrome is unlikely.

Women's Health and Genetics/Laboratory Corporation of America, LabCorp
Classification: Pathogenic for Noonan syndrome 2. Last evaluated: 2024-04-29. Review status: criteria provided, single submitter. Criteria: LabCorp Variant Classification Summary - May 2015. Collection method: clinical testing. Allele origin: germline.
Comment: Variant summary: LZTR1 c.1321C>T (p.Gln441X) results in a premature termination codon, predicted to cause a truncation of the encoded protein or absence of the protein due to nonsense mediated decay, which are commonly known mechanisms for disease. The variant was absent in 249452 control chromosomes. To our knowledge, no occurrence of c.1321C>T in individuals affected with Noonan Syndrome 2 and no experimental evidence demonstrating its impact on protein function have been reported. ClinVar contains an entry for this variant (Variation ID: 2899790). Germline loss of function mutations in LZTR1 have been reported to predispose to an inherited disorder of multiple schwannomas (Piotrowski_2014) and recessive Noonan syndrome (Johnston_2018). Based on the evidence outlined above, the variant was classified as pathogenic for the risk of multiple schwannomas and recessive Noonan syndrome and as a variant of uncertain clinical significance for dominant Noonan syndrome.

Literature cited by the submitters: PubMed 24362817 (cited by Labcorp Genetics (formerly Invitae), Labcorp); PubMed 25335493 (cited by Labcorp Genetics (formerly Invitae), Labcorp); PubMed 25480913 (cited by Labcorp Genetics (formerly Invitae), Labcorp); PubMed 25795793 (cited by Labcorp Genetics (formerly Invitae), Labcorp); PubMed 29469822 (cited by Labcorp Genetics (formerly Invitae), Labcorp); PubMed 30368668 (cited by Labcorp Genetics (formerly Invitae), Labcorp); PubMed 30442762 (cited by Labcorp Genetics (formerly Invitae), Labcorp); PubMed 30442766 (cited by Labcorp Genetics (formerly Invitae), Labcorp); PubMed 30481304 (cited by Labcorp Genetics (formerly Invitae), Labcorp); PubMed 30859559 (cited by Labcorp Genetics (formerly Invitae), Labcorp).

NM_006767.4(LZTR1):c.1321C>T (p.Gln441Ter)

Gene: LZTR1 (leucine zipper like post translational regulator 1; plus strand). Cytogenetic location: 22q11.21.
Variant type: single nucleotide variant.
Coding change: c.1321C>T on transcript NM_006767.4 (MANE Select); coding-DNA position 1321, C replaced by T.
Protein change: p.Gln441Ter; replaces glutamine 441 with a stop codon.
Molecular consequence: nonsense.
Genome position (GRCh38, 1-based): chr22:20,993,722, C>T. VCF-style: chr22-20993722-C-T. GRCh37 (hg19) VCF-style: chr22-21348011-C-T.
Other names: c.1321C>T (NM_006767.3); short protein forms Q441*.
Identifiers: ClinVar variation 2899790 (VCV002899790.6), dbSNP rs2518620018, ClinGen allele CA410774570.